The following is an entry in ClinVar:

ClinVar aggregate classification (germline): Uncertain significance (1 of 4 stars; one submission).

gnomAD v4.1: 5 of 1,560,004 alleles (0.00032%); highest among the groups gnomAD compares: Admixed American, 0.0076%; no homozygotes.

Submission:

Ambry Genetics
Classification: Uncertain significance. Last evaluated: 2024-12-07. Review status: criteria provided, single submitter. Criteria: Ambry Variant Classification Scheme 2023. Collection method: clinical testing. Allele origin: germline.
Comment: The p.S1761T variant (also known as c.5281T>A), located in coding exon 22 of the WNK2 gene, results from a T to A substitution at nucleotide position 5281. The serine at codon 1761 is replaced by threonine, an amino acid with similar properties. This amino acid position is conserved. In addition, this alteration is predicted to be tolerated by in silico analysis. Based on the available evidence, the clinical significance of this variant remains unclear.

NM_006648.4(WNK2):c.5281T>A (p.Ser1761Thr)

Gene: WNK2 (WNK lysine deficient protein kinase 2; plus strand). Cytogenetic location: 9q22.31.
Variant type: single nucleotide variant.
Coding change: c.5281T>A on transcript NM_006648.4 (MANE Select); coding-DNA position 5281, T replaced by A.
Protein change: p.Ser1761Thr; replaces serine 1761 with threonine.
Molecular consequence: missense variant.
Genome position (GRCh38, 1-based): chr9:93,292,746, T>A. VCF-style: chr9-93292746-T-A. GRCh37 (hg19) VCF-style: chr9-96055028-T-A.
Other names: c.5392T>A, p.Ser1798Thr (NM_001282394.3); short protein forms S1761T, S1798T.
Identifiers: ClinVar variation 3470635 (VCV003470635.1).